The following is an entry in ClinVar:

NM_000214.3(JAG1):c.1102G>A (p.Gly368Ser)

Gene: JAG1 (jagged canonical Notch ligand 1; minus strand). Cytogenetic location: 20p12.2.
Variant type: single nucleotide variant.
Coding change: c.1102G>A on transcript NM_000214.3 (MANE Select); coding-DNA position 1102, G replaced by A.
Protein change: p.Gly368Ser; replaces glycine 368 with serine.
Molecular consequence: missense variant.
Genome position (GRCh38, 1-based): chr20:10,651,599, C>T on the plus strand (G>A on the coding strand, the complement: JAG1 is on the minus strand). VCF-style: chr20-10651599-C-T. GRCh37 (hg19) VCF-style: chr20-10632247-C-T.
Other names: short protein forms G368S.
Identifiers: ClinVar variation 958265 (VCV000958265.9), dbSNP rs372558458, ClinGen allele CA9764981.

ClinVar aggregate classification (germline): Conflicting classifications of pathogenicity. Review status: criteria provided, conflicting classifications (1 of 4 stars). 2 submissions from 2 submitters: Uncertain significance (1); Likely benign (1). Last evaluated 2025-04-14.

Conditions:
Cardiovascular phenotype. Identifiers: MedGen CN230736.
Alagille syndrome due to a JAG1 point mutation. Also called: HEPATIC DUCTULAR HYPOPLASIA, SYNDROMATIC; Alagille Syndrome 1; JAG1-Related Alagille Syndrome. Identifiers: Orphanet 261619, Orphanet 52, MedGen C1956125, MONDO:0016862, OMIM 118450.

Allele frequency attached by ClinVar (database versions not stated): TOPMed below 0.00001; gnomAD exomes 0.00002; ExAC 0.00003; ESP Exome Variant Server 0.00008.

Submissions (2):

Ambry Genetics
Classification: Likely benign for Cardiovascular phenotype. Last evaluated: 2025-04-14. Review status: criteria provided, single submitter. Criteria: Ambry Variant Classification Scheme 2023. Collection method: clinical testing. Allele origin: germline.

Labcorp Genetics (formerly Invitae), Labcorp
Classification: Uncertain significance for Alagille syndrome due to a JAG1 point mutation. Last evaluated: 2025-02-17. Review status: criteria provided, single submitter. Criteria: Invitae Variant Classification Sherloc (09022015). Collection method: clinical testing. Allele origin: germline.
Comment: This sequence change replaces glycine, which is neutral and non-polar, with serine, which is neutral and polar, at codon 368 of the JAG1 protein (p.Gly368Ser). This variant is present in population databases (rs372558458, gnomAD 0.004%). This variant has not been reported in the literature in individuals affected with JAG1-related conditions. ClinVar contains an entry for this variant (Variation ID: 958265). Invitae Evidence Modeling of protein sequence and biophysical properties (such as structural, functional, and spatial information, amino acid conservation, physicochemical variation, residue mobility, and thermodynamic stability) indicates that this missense variant is expected to disrupt JAG1 protein function with a positive predictive value of 80%. In summary, the available evidence is currently insufficient to determine the role of this variant in disease. Therefore, it has been classified as a Variant of Uncertain Significance.